The following is an entry in ClinVar:

ClinVar aggregate classification (germline): Likely pathogenic (1 of 4 stars; one submission).

Conditions:
PCNT-related disorder. Also called: PCNT-related condition.

Submission:

PreventionGenetics, part of Exact Sciences
Classification: Likely pathogenic for PCNT-related condition. Last evaluated: 2025-10-31. Review status: criteria provided, single submitter. Criteria: ACMG Guidelines, 2015. Collection method: clinical testing. Allele origin: germline.
Comment: The PCNT c.4755_4762del8 variant is predicted to result in a frameshift and premature protein termination (p.Gln1588Hisfs*9). To our knowledge, this variant has not been reported in the literature or in a large population database (gnomAD), indicating this variant is rare. Frameshift variants in PCNT are expected to be pathogenic. This variant is interpreted as likely pathogenic.

NM_006031.6(PCNT):c.4755_4762del (p.Gln1588fs)

Gene: PCNT (pericentrin; plus strand). Cytogenetic location: 21q22.3.
Variant type: Deletion.
Coding change: c.4755_4762del on transcript NM_006031.6 (MANE Select); coding-DNA positions 4755 to 4762, 8 bases deleted (GGAAAAAC; older notation c.4755_4762delGGAAAAAC).
Protein change: p.Gln1588fs; shifts the reading frame from glutamine 1588.
Molecular consequence: frameshift variant.
Genome position (GRCh38, 1-based): chr21:46,399,760-46,399,767, GGAAAAAC deleted. VCF-style (leftmost placement, unchanged base first): chr21-46399759-TGGAAAAAC-T. GRCh37 (hg19) VCF-style: chr21-47819673-TGGAAAAAC-T.
Other names: c.4401_4408del, p.Gln1470fs (NM_001315529.2); short protein forms Q1470fs, Q1588fs.
Identifiers: ClinVar variation 4990871 (VCV004990871.1).